The following is an entry in ClinVar:

ClinVar aggregate classification (germline): Uncertain significance (1 of 4 stars; one submission).

Conditions:
VPS13B-related disorder. Also called: VPS13B-related condition.

Submission:

PreventionGenetics, part of Exact Sciences
Classification: Uncertain significance for VPS13B-related condition. Last evaluated: 2024-11-13. Review status: criteria provided, single submitter. Criteria: ACMG Guidelines, 2015. Collection method: clinical testing. Allele origin: germline.
Comment: The VPS13B c.8281G>A variant is predicted to result in the amino acid substitution p.Val2761Met. To our knowledge, this variant has not been reported in the literature or in a large population database (gnomAD), indicating this variant is rare. At this time, the clinical significance of this variant is uncertain due to the absence of conclusive functional and genetic evidence.

NM_152564.5(VPS13B):c.8281G>A (p.Val2761Met)

Gene: VPS13B (vacuolar protein sorting 13 homolog B; plus strand). Cytogenetic location: 8q22.2.
Variant type: single nucleotide variant.
Coding change: c.8281G>A on transcript NM_152564.5 (MANE Select); coding-DNA position 8281, G replaced by A.
Protein change: p.Val2761Met; replaces valine 2761 with methionine.
Molecular consequence: missense variant.
Genome position (GRCh38, 1-based): chr8:99,817,723, G>A. VCF-style: chr8-99817723-G-A. GRCh37 (hg19) VCF-style: chr8-100829951-G-A.
Other names: c.8356G>A, p.Val2786Met (NM_017890.5); short protein forms V2786M, V2761M.
Identifiers: ClinVar variation 4999654 (VCV004999654.1).